The following is an entry in ClinVar:

NM_004279.3(PMPCB):c.196G>A (p.Gly66Arg)

Gene: PMPCB (peptidase, mitochondrial processing subunit beta; plus strand). Cytogenetic location: 7q22.1.
Variant type: single nucleotide variant.
Coding change: c.196G>A on transcript NM_004279.3 (MANE Select); coding-DNA position 196, G replaced by A.
Protein change: p.Gly66Arg; replaces glycine 66 with arginine.
Molecular consequence: missense variant.
Genome position (GRCh38, 1-based): chr7:103,298,664, G>A. VCF-style: chr7-103298664-G-A. GRCh37 (hg19) VCF-style: chr7-102939111-G-A.
Other names: c.196G>A, p.Gly66Arg (NM_001438231.1); short protein forms G66R.
Identifiers: ClinVar variation 4692633 (VCV004692633.1).

ClinVar aggregate classification (germline): Uncertain significance (1 of 4 stars; one submission).

gnomAD v4.1: 78 of 1,613,992 alleles (0.0048%); highest among the groups gnomAD compares: Non-Finnish European, 0.0064%; no homozygotes.

Submission:

Labcorp Genetics (formerly Invitae), Labcorp
Classification: Uncertain significance. Last evaluated: 2025-11-27. Review status: criteria provided, single submitter. Criteria: Invitae Variant Classification Sherloc (09022015). Collection method: clinical testing. Allele origin: germline.
Comment: This sequence change replaces glycine, which is neutral and non-polar, with arginine, which is basic and polar, at codon 66 of the PMPCB protein (p.Gly66Arg). This variant is present in population databases (rs771850535, gnomAD 0.009%). This variant has not been reported in the literature in individuals affected with PMPCB-related conditions. Invitae Evidence Modeling of protein sequence and biophysical properties (such as structural, functional, and spatial information, amino acid conservation, physicochemical variation, residue mobility, and thermodynamic stability) indicates that this missense variant is expected to disrupt PMPCB protein function with a positive predictive value of 80%. In summary, the available evidence is currently insufficient to determine the role of this variant in disease. Therefore, it has been classified as a Variant of Uncertain Significance.